The following is an entry in ClinVar:

NM_003322.6(TULP1):c.457G>A (p.Ala153Thr)

Gene: TULP1 (TUB like protein 1; minus strand). Cytogenetic location: 6p21.31.
Variant type: single nucleotide variant.
Coding change: c.457G>A on transcript NM_003322.6 (MANE Select); coding-DNA position 457, G replaced by A.
Protein change: p.Ala153Thr; replaces alanine 153 with threonine.
Molecular consequence: missense variant.
Genome position (GRCh38, 1-based): chr6:35,510,903, C>T on the plus strand (G>A on the coding strand, the complement: TULP1 is on the minus strand). VCF-style: chr6-35510903-C-T. GRCh37 (hg19) VCF-style: chr6-35478680-C-T.
Other names: c.298G>A, p.Ala100Thr (NM_001289395.2); short protein forms A100T, A153T.
Identifiers: ClinVar variation 1032121 (VCV001032121.9), dbSNP rs145351282, ClinGen allele CA3772917.

ClinVar aggregate classification (germline): Uncertain significance. Review status: criteria provided, multiple submitters, no conflicts (2 of 4 stars). 4 submissions from 4 submitters: Uncertain significance (4). Last evaluated 2025-08-21.

Conditions:
Leber congenital amaurosis 15 (LCA15). Identifiers: Orphanet 65, MedGen C3151206, MONDO:0013457, OMIM 613843.
Inborn genetic diseases. Identifiers: MedGen C0950123, MeSH D030342.

Allele frequency attached by ClinVar (database versions not stated): ExAC 0.00002; gnomAD exomes 0.00003 and 0.00006; gnomAD 0.00004; TOPMed 0.00005; 1000 Genomes Project 30x 0.00016; 1000 Genomes Project 0.00020; ESP Exome Variant Server 0.00023.

Submissions (4):

Ambry Genetics
Classification: Uncertain significance for Inborn genetic diseases. Last evaluated: 2025-08-21. Review status: criteria provided, single submitter. Criteria: Ambry Variant Classification Scheme 2023. Collection method: clinical testing. Allele origin: germline.

Blueprint Genetics
Classification: Uncertain significance. Last evaluated: 2024-03-26. Review status: criteria provided, single submitter. Criteria: ACMG Guidelines, 2015. Collection method: clinical testing. Allele origin: germline.

Labcorp Genetics (formerly Invitae), Labcorp
Classification: Uncertain significance. Last evaluated: 2022-03-29. Review status: criteria provided, single submitter. Criteria: Invitae Variant Classification Sherloc (09022015). Collection method: clinical testing. Allele origin: germline.
Comment: This sequence change replaces alanine, which is neutral and non-polar, with threonine, which is neutral and polar, at codon 153 of the TULP1 protein (p.Ala153Thr). This variant is present in population databases (rs145351282, gnomAD 0.02%). This variant has not been reported in the literature in individuals affected with TULP1-related conditions. ClinVar contains an entry for this variant (Variation ID: 1032121). Algorithms developed to predict the effect of missense changes on protein structure and function output the following: SIFT: "Not Available"; PolyPhen-2: "Benign"; Align-GVGD: "Not Available". The threonine amino acid residue is found in multiple mammalian species, which suggests that this missense change does not adversely affect protein function. In summary, the available evidence is currently insufficient to determine the role of this variant in disease. Therefore, it has been classified as a Variant of Uncertain Significance.

Baylor Genetics
Classification: Uncertain significance for Leber congenital amaurosis 15. Last evaluated: 2018-02-08. Review status: criteria provided, single submitter. Criteria: ACMG Guidelines, 2015. Collection method: clinical testing. Allele origin: maternal. Affected: yes.
Comment: This variant was determined to be of uncertain significance according to ACMG Guidelines, 2015 [PMID:25741868].